The following is an entry in ClinVar:

ClinVar aggregate classification (germline): Uncertain significance. Review status: criteria provided, single submitter (1 of 4 stars). 2 submissions from 2 submitters: Uncertain significance (1). 1 of the submissions does not count toward it. Last evaluated 2024-02-24.

Conditions:
Alstrom syndrome (ALMS). Identifiers: Orphanet 64, MedGen C0268425, MONDO:0008763, OMIM 203800.

Allele frequency attached by ClinVar (database versions not stated): gnomAD 0.00001.
gnomAD v4.1: 1 of 1,614,102 alleles (0.000062%); highest among the groups gnomAD compares: Admixed American, 0.0017%; no homozygotes.

Submissions (2):

Labcorp Genetics (formerly Invitae), Labcorp
Classification: Uncertain significance for Alstrom syndrome. Last evaluated: 2024-02-24. Review status: criteria provided, single submitter. Criteria: Invitae Variant Classification Sherloc (09022015). Collection method: clinical testing. Allele origin: germline.
Comment: This sequence change replaces serine, which is neutral and polar, with arginine, which is basic and polar, at codon 1447 of the ALMS1 protein (p.Ser1447Arg). This variant is present in population databases (rs546049433, gnomAD 0.003%). This variant has not been reported in the literature in individuals affected with ALMS1-related conditions. ClinVar contains an entry for this variant (Variation ID: 2006315). Experimental studies and prediction algorithms are not available or were not evaluated, and the functional significance of this variant is currently unknown. In summary, the available evidence is currently insufficient to determine the role of this variant in disease. Therefore, it has been classified as a Variant of Uncertain Significance.

Natera, Inc.
Classification: Uncertain significance for Alstrom syndrome. Last evaluated: 2025-03-31. Review status: no assertion criteria provided. Collection method: clinical testing. Allele origin: germline. Not counted in ClinVar's aggregate classification.

NM_001378454.1(ALMS1):c.4338T>G (p.Ser1446Arg)

Gene: ALMS1 (ALMS1 centrosome and basal body associated protein; plus strand). Cytogenetic location: 2p13.1.
Variant type: single nucleotide variant.
Coding change: c.4338T>G on transcript NM_001378454.1 (MANE Select); coding-DNA position 4338, T replaced by G.
Protein change: p.Ser1446Arg; replaces serine 1446 with arginine.
Molecular consequence: missense variant.
Genome position (GRCh38, 1-based): chr2:73,450,865, T>G. VCF-style: chr2-73450865-T-G. GRCh37 (hg19) VCF-style: chr2-73677992-T-G.
Other names: c.4341T>G, p.Ser1447Arg (NM_015120.4); short protein forms S1447R, S1446R.
Identifiers: ClinVar variation 2006315 (VCV002006315.4), dbSNP rs546049433, ClinGen allele CA50393433.
Genomic context (GRCh38, chr2:73,450,865, plus strand): 5'-TACTTTCTACTCACACACAGAGAAGCCTGGTAGTTTCTACCAACAGGTCTTGCCACATAG[T>G]CATCTACCTGAAGAGGCTTTGGAAGTTTCAGTTGCTCCTGGACCAGTTGACCAGACGATT-3'
Protein context (NP_001365383.1, residues 1436-1456): GSFYQQVLPH[Ser1446Arg]HLPEEALEVS